The following is an entry in ClinVar:

NM_018319.4(TDP1):c.785_786del (p.His262fs)

Gene: TDP1 (tyrosyl-DNA phosphodiesterase 1; plus strand). Cytogenetic location: 14q32.11.
Variant type: Microsatellite.
Coding change: c.785_786del on transcript NM_018319.4 (MANE Select); coding-DNA positions 785 to 786, 2 bases deleted (AC; older notation c.785_786delAC).
Protein change: p.His262fs; shifts the reading frame from histidine 262.
Molecular consequence: frameshift variant.
Genome position (GRCh38, 1-based): chr14:89,975,809-89,975,810, AC deleted; deleting any 2 consecutive bases within chr14:89,975,805-89,975,810 gives the same sequence; the c. name uses the placement nearest the transcript's 3' end. VCF-style (leftmost placement, unchanged base first): chr14-89975804-AAC-A. GRCh37 (hg19) VCF-style: chr14-90442148-AAC-A.
Other names: p.His262Profs*10; c.785_786del, p.His262fs (NM_001008744.2, NM_001330205.2); short protein forms H262fs.
Identifiers: ClinVar variation 4541897 (VCV004541897.1).

ClinVar aggregate classification (germline): Uncertain significance (1 of 4 stars; one submission).

Submission:

Mayo Clinic Laboratories, Mayo Clinic
Classification: Uncertain significance. Last evaluated: 2025-03-25. Review status: criteria provided, single submitter. Criteria: ACMG Guidelines, 2015. Collection method: clinical testing. Allele origin: germline. Observed: 1 variant allele.
Comment: PM2_supporting